The following is an entry in ClinVar:

NM_001370.2(DNAH6):c.594del (p.Gly200fs)

Gene: DNAH6 (dynein axonemal heavy chain 6; plus strand). Cytogenetic location: 2p11.2.
Variant type: Deletion.
Coding change: c.594del on transcript NM_001370.2 (MANE Select); coding-DNA position 594, one base deleted (T; older notation c.594delT).
Protein change: p.Gly200fs; shifts the reading frame from glycine 200.
Molecular consequence: frameshift variant.
Genome position (GRCh38, 1-based): chr2:84,529,098, T deleted. VCF-style (leftmost placement, unchanged base first): chr2-84529097-AT-A. GRCh37 (hg19) VCF-style: chr2-84756221-AT-A.
Other names: short protein forms G200fs.
Identifiers: ClinVar variation 3343264 (VCV003343264.1).
Genomic context (GRCh38, chr2:84,529,097, plus strand): 5'-TTGTTAAAGCCAACATTCGTGATCCCTTGCAAATCATTAAAATAATACGTGAAAATGAAC[AT>A]CTTGGATTTCTTTATATGATCCCTGCAGTGCCAAGATCATCCATTGAATATGATACATAT-3'

ClinVar aggregate classification (germline): Uncertain significance (1 of 4 stars; one submission).

Submission:

GeneDx
Classification: Uncertain significance. Last evaluated: 2023-05-08. Review status: criteria provided, single submitter. Criteria: GeneDx Variant Classification Process June 2021. Collection method: clinical testing. Allele origin: germline. Affected: yes.
Comment: Frameshift variant predicted to result in protein truncation or nonsense mediated decay in a gene or region of a gene for which loss of function is not a well-established mechanism of disease; Variants in candidate genes are classified as variants of uncertain significance in accordance with ACMG guidelines (Richards et al., 2015); Has not been previously published as pathogenic or benign to our knowledge